The following is an entry in ClinVar:

ClinVar aggregate classification (germline): Benign (0 of 4 stars; one submission).

Conditions:
DNHD1-related disorder. Also called: DNHD1-related condition.

Allele frequency attached by ClinVar (database versions not stated): 1000 Genomes Project 30x 0.23251; 1000 Genomes Project 0.23303; TOPMed 0.29017; gnomAD 0.29303; ESP Exome Variant Server 0.29543; ExAC 0.33044; gnomAD exomes 0.37282.
gnomAD v4.1: 587,198 of 1,613,734 alleles (36%); highest among the groups gnomAD compares: Non-Finnish European, 40%; 112,027 homozygotes.

Submission:

PreventionGenetics, part of Exact Sciences
Classification: Benign for DNHD1-related condition. Last evaluated: 2023-11-29. Review status: no assertion criteria provided. Collection method: clinical testing. Allele origin: germline.
Comment: This variant is classified as benign based on ACMG/AMP sequence variant interpretation guidelines (Richards et al. 2015 PMID: 25741868, with internal and published modifications).

NM_144666.3(DNHD1):c.11489G>A (p.Arg3830His)

Gene: DNHD1 (dynein heavy chain domain 1; plus strand). Cytogenetic location: 11p15.4.
Variant type: single nucleotide variant.
Coding change: c.11489G>A on transcript NM_144666.3 (MANE Select); coding-DNA position 11489, G replaced by A.
Protein change: p.Arg3830His; replaces arginine 3830 with histidine.
Molecular consequence: missense variant.
Genome position (GRCh38, 1-based): chr11:6,566,998, G>A. VCF-style: chr11-6566998-G-A. GRCh37 (hg19) VCF-style: chr11-6588228-G-A.
Other names: short protein forms R3830H.
Identifiers: ClinVar variation 3058949 (VCV003058949.2), dbSNP rs10769699, ClinGen allele CA5856667.